The following is an entry in ClinVar:

ClinVar aggregate classification (germline): Uncertain significance (1 of 4 stars; one submission).

Conditions:
Autosomal recessive limb-girdle muscular dystrophy type 2J (LGMDR10). Also called: Limb-girdle muscular dystrophy, type 2J; MUSCULAR DYSTROPHY, LIMB-GIRDLE, AUTOSOMAL RECESSIVE 10. Identifiers: Orphanet 140922, MedGen C1837342, MONDO:0012127, OMIM 608807.
Dilated cardiomyopathy 1G (CMD1G). Identifiers: Orphanet 154, MedGen C1858763, MONDO:0011400, OMIM 604145.

gnomAD v4.1: 11 of 1,614,026 alleles (0.00068%); highest among the groups gnomAD compares: South Asian, 0.0044%; no homozygotes.

Submission:

Labcorp Genetics (formerly Invitae), Labcorp
Classification: Uncertain significance for Dilated cardiomyopathy 1G; Autosomal recessive limb-girdle muscular dystrophy type 2J. Last evaluated: 2024-12-30. Review status: criteria provided, single submitter. Criteria: Invitae Variant Classification Sherloc (09022015). Collection method: clinical testing. Allele origin: germline.
Comment: This sequence change falls in intron 30 of the TTN gene. It does not directly change the encoded amino acid sequence of the TTN protein. It affects a nucleotide within the consensus splice site. This variant is not present in population databases (gnomAD no frequency). This variant has not been reported in the literature in individuals affected with TTN-related conditions. Variants that disrupt the consensus splice site are a relatively common cause of aberrant splicing (PMID: 17576681, 9536098). Algorithms developed to predict the effect of sequence changes on RNA splicing suggest that this variant may disrupt the consensus splice site. This variant is located in the I band of TTN (PMID: 25589632). Non-truncating variants in this region may be clinically relevant, but have not been definitively shown to cause cardiomyopathy or neuromuscular disease (PMID: 27493940, 32778822). In summary, the available evidence is currently insufficient to determine the role of this variant in disease. Therefore, it has been classified as a Variant of Uncertain Significance.

Literature cited by the submitters: PubMed 17576681; PubMed 9536098; PubMed 25589632; PubMed 27493940; PubMed 32778822.

NM_001267550.2(TTN):c.7057+5G>T

Genes: TTN (titin; minus strand), LOC126806433 (BRD4-independent group 4 enhancer GRCh37_chr2:179638309-179639508; plus strand). Cytogenetic location: 2q31.2.
Variant type: single nucleotide variant.
Coding change: c.7057+5G>T on transcript NM_001267550.2 (MANE Select); 5 bases into the intron after coding-DNA position 7057, G replaced by T.
Molecular consequence: intron variant.
Genome position (GRCh38, 1-based): chr2:178,774,202, C>A on the plus strand (G>T on the coding strand, the complement: TTN is on the minus strand). VCF-style: chr2-178774202-C-A. GRCh37 (hg19) VCF-style: chr2-179638929-C-A.
Other names: c.6919+5G>T (NM_003319.4, NM_133437.4, NM_133432.3); c.7057+5G>T (NM_133378.4, NM_001256850.1, NM_133379.5).
Identifiers: ClinVar variation 3750235 (VCV003750235.2).